The following is an entry in ClinVar:

NM_000512.5(GALNS):c.985C>A (p.His329Asn)

Gene: GALNS (galactosamine (N-acetyl)-6-sulfatase; minus strand). Cytogenetic location: 16q24.3.
Variant type: single nucleotide variant.
Coding change: c.985C>A on transcript NM_000512.5 (MANE Select); coding-DNA position 985, C replaced by A.
Protein change: p.His329Asn; replaces histidine 329 with asparagine.
Molecular consequence: missense variant.
Genome position (GRCh38, 1-based): chr16:88,832,015, G>T on the plus strand (C>A on the coding strand, the complement: GALNS is on the minus strand). VCF-style: chr16-88832015-G-T. GRCh37 (hg19) VCF-style: chr16-88898423-G-T.
Other names: c.430C>A, p.His144Asn (NM_001323543.2); c.1003C>A, p.His335Asn (NM_001323544.2); short protein forms H144N, H329N, H335N.
Identifiers: ClinVar variation 1048430 (VCV001048430.3), dbSNP rs766548318, ClinGen allele CA397101014.

ClinVar aggregate classification (germline): Uncertain significance (1 of 4 stars; one submission).

Conditions:
Mucopolysaccharidosis, MPS-IV-A (MPS4A). Also called: Mucopolysaccharidosis type IV A; Mucopolysaccharidosis Type IVA; Morquio syndrome A, mild; MORQUIO SYNDROME A; MPS IVA; mucopolysaccharidosis type 4A. Identifiers: Orphanet 309297, Orphanet 582, MedGen C0086651, MONDO:0009659, OMIM 253000.

Submission:

Laboratory of Diagnosis and Therapy of Lysosomal Disorders, University of Padova
Classification: Uncertain significance for Mucopolysaccharidosis, MPS-IV-A. Last evaluated: 2021-02-01. Review status: criteria provided, single submitter. Criteria: ACMG Guidelines, 2015. Collection method: research. Allele origin: germline.
Comment: Absent from gnomAD v2.1.1 (PM2_moderate); multiple lines of computational evidence suggest no impact on gene or gene product (BP4_supporting)

Literature cited by the submitters: PubMed 34387910.